The following is an entry in ClinVar:

ClinVar aggregate classification (germline): Uncertain significance (1 of 4 stars; one submission).

Conditions:
Inborn genetic diseases. Identifiers: MedGen C0950123, MeSH D030342.

Submission:

Ambry Genetics
Classification: Uncertain significance for Inborn genetic diseases. Last evaluated: 2025-10-02. Review status: criteria provided, single submitter. Criteria: Ambry Variant Classification Scheme 2023. Collection method: clinical testing. Allele origin: germline.
Comment: The c.146A>C (p.D49A) alteration is located in exon 2 (coding exon 1) of the HSPD1 gene. This alteration results from a A to C substitution at nucleotide position 146, causing the aspartic acid (D) at amino acid position 49 to be replaced by an alanine (A). This variant was not reported in population-based cohorts in the Genome Aggregation Database (gnomAD). This amino acid position is highly conserved in available vertebrate species. This alteration is predicted to be deleterious by in silico analysis. Based on insufficient or conflicting evidence, the clinical significance of this alteration remains unclear.

NM_002156.5(HSPD1):c.146A>C (p.Asp49Ala)

Gene: HSPD1 (heat shock protein family D (Hsp60) member 1; minus strand). Cytogenetic location: 2q33.1.
Variant type: single nucleotide variant.
Coding change: c.146A>C on transcript NM_002156.5 (MANE Select); coding-DNA position 146, A replaced by C.
Protein change: p.Asp49Ala; replaces aspartic acid 49 with alanine.
Molecular consequence: missense variant.
Genome position (GRCh38, 1-based): chr2:197,498,703, T>G on the plus strand (A>C on the coding strand, the complement: HSPD1 is on the minus strand). VCF-style: chr2-197498703-T-G. GRCh37 (hg19) VCF-style: chr2-198363427-T-G.
Other names: c.146A>C, p.Asp49Ala (NM_199440.2); short protein forms D49A.
Identifiers: ClinVar variation 4272691 (VCV004272691.2).
Genomic context (GRCh38, chr2:197,498,703, plus strand): 5'-CCGTAATTACAATAAAATAAAAATACTGGTACCTTTGGCCCCATTGTAACGGCCACAGCA[T>G]CGGCTAAAAGGTCTACACCTTGAAGCATTAAGGCTCGGGCATCTGCACCAAATTTTACAT-3'
Protein context (NP_002147.2, residues 39-59): LMLQGVDLLA[Asp49Ala]AVAVTMGPKG